The following is an entry in ClinVar:

NM_212550.5(BLOC1S3):c.181G>A (p.Ala61Thr)

Gene: BLOC1S3 (biogenesis of lysosomal organelles complex 1 subunit 3; plus strand). Cytogenetic location: 19q13.32.
Variant type: single nucleotide variant.
Coding change: c.181G>A on transcript NM_212550.5 (MANE Select); coding-DNA position 181, G replaced by A.
Protein change: p.Ala61Thr; replaces alanine 61 with threonine.
Molecular consequence: missense variant.
Genome position (GRCh38, 1-based): chr19:45,179,477, G>A. VCF-style: chr19-45179477-G-A. GRCh37 (hg19) VCF-style: chr19-45682735-G-A.
Other names: short protein forms A61T.
Identifiers: ClinVar variation 1444062 (VCV001444062.3), dbSNP rs770544477, ClinGen allele CA9510233.
Genomic context (GRCh38, chr19:45,179,477, plus strand): 5'-CTGGGTCCTTCGGGCCCGACGCGCGGCCGCCCCACGGGGCTGCGGGTGGCTGGGGAAGCC[G>A]CGGAGACCGACTCGGAGCCGGAGCCGGAGCCGGAACCGACGGCCGCGCCGAGGGACCTGC-3'
Protein context (NP_997715.1, residues 51-71): PTGLRVAGEA[Ala61Thr]ETDSEPEPEP

ClinVar aggregate classification (germline): Uncertain significance (1 of 4 stars; one submission).

Allele frequency attached by ClinVar (database versions not stated): gnomAD exomes 0.00004 and 0.00001; gnomAD 0.00013 and 0.00014; TOPMed 0.00015; ExAC 0.00018.
gnomAD v4.1: 46 of 1,523,584 alleles (0.003%); highest among the groups gnomAD compares: African/African-American, 0.049%; no homozygotes.

Submission:

Labcorp Genetics (formerly Invitae), Labcorp
Classification: Uncertain significance. Last evaluated: 2022-07-26. Review status: criteria provided, single submitter. Criteria: Invitae Variant Classification Sherloc (09022015). Collection method: clinical testing. Allele origin: germline.
Comment: This sequence change replaces alanine, which is neutral and non-polar, with threonine, which is neutral and polar, at codon 61 of the BLOC1S3 protein (p.Ala61Thr). This variant is present in population databases (rs770544477, gnomAD 0.09%). This variant has not been reported in the literature in individuals affected with BLOC1S3-related conditions. ClinVar contains an entry for this variant (Variation ID: 1444062). Algorithms developed to predict the effect of missense changes on protein structure and function are either unavailable or do not agree on the potential impact of this missense change (SIFT: "Tolerated"; PolyPhen-2: "Possibly Damaging"; Align-GVGD: "Class C0"). In summary, the available evidence is currently insufficient to determine the role of this variant in disease. Therefore, it has been classified as a Variant of Uncertain Significance.